The following is an entry in ClinVar:

NM_002907.4(RECQL):c.501+1G>A

Gene: RECQL (RecQ like helicase; minus strand). Cytogenetic location: 12p12.1.
Variant type: single nucleotide variant.
Coding change: c.501+1G>A on transcript NM_002907.4 (MANE Select); the canonical splice donor site of the intron after coding-DNA position 501, G replaced by A.
Molecular consequence: splice donor variant.
Genome position (GRCh38, 1-based): chr12:21,486,478, C>T on the plus strand (G>A on the coding strand, the complement: RECQL is on the minus strand). VCF-style: chr12-21486478-C-T. GRCh37 (hg19) VCF-style: chr12-21639412-C-T.
Other names: c.501+1G>A (NM_032941.3).
Identifiers: ClinVar variation 3704428 (VCV003704428.2).

ClinVar aggregate classification (germline): Uncertain significance (1 of 4 stars; one submission).

Submission:

Labcorp Genetics (formerly Invitae), Labcorp
Classification: Uncertain significance. Last evaluated: 2024-03-23. Review status: criteria provided, single submitter. Criteria: Invitae Variant Classification Sherloc (09022015). Collection method: clinical testing. Allele origin: germline.
Comment: This sequence change affects a donor splice site in intron 5 of the RECQL gene. It is expected to disrupt RNA splicing. Variants that disrupt the donor or acceptor splice site typically lead to a loss of protein function (PMID: 16199547), however the current clinical and genetic evidence is not sufficient to establish whether loss-of-function variants in RECQL cause disease. This variant is present in population databases (no rsID available, gnomAD 0.001%). Disruption of this splice site has been observed in individual(s) with breast cancer (PMID: 30224651). Algorithms developed to predict the effect of sequence changes on RNA splicing suggest that this variant may disrupt the consensus splice site. In summary, the available evidence is currently insufficient to determine the role of this variant in disease. Therefore, it has been classified as a Variant of Uncertain Significance.

Literature cited by the submitters: PubMed 16199547; PubMed 30224651.